The following is an entry in ClinVar:

NM_005560.6(LAMA5):c.5652_5653delinsTT (p.Gln1884_His1885delinsHisTyr)

Gene: LAMA5 (laminin subunit alpha 5; minus strand). Cytogenetic location: 20q13.33.
Variant type: Indel.
Coding change: c.5652_5653delinsTT on transcript NM_005560.6 (MANE Select); coding-DNA positions 5652 to 5653, GC replaced by TT.
Protein change: p.Gln1884_His1885delinsHisTyr.
Molecular consequence: missense variant.
Genome position (GRCh38, 1-based): chr20:62,324,195-62,324,196, GC replaced by AA on the plus strand (GC replaced by TT on the coding strand, the reverse complement: LAMA5 is on the minus strand). VCF-style: chr20-62324195-GC-AA. GRCh37 (hg19) VCF-style: chr20-60899251-GC-AA.
Identifiers: ClinVar variation 2916678 (VCV002916678.3), dbSNP rs2516030361, ClinGen allele CA2739277264.

ClinVar aggregate classification (germline): Uncertain significance (1 of 4 stars; one submission).

Submission:

Labcorp Genetics (formerly Invitae), Labcorp
Classification: Uncertain significance. Last evaluated: 2025-06-12. Review status: criteria provided, single submitter. Criteria: Invitae Variant Classification Sherloc (09022015). Collection method: clinical testing. Allele origin: germline.
Comment: This variant, c.5652_5653delinsTT, is a complex sequence change that results in the deletion of 2 and insertion of 2 amino acid(s) in the LAMA5 protein (p.Gln1884_His1885delinsHisTyr). Information on the frequency of this variant in the gnomAD database is not available, as this variant may be reported differently in the database. This variant has not been reported in the literature in individuals affected with LAMA5-related conditions. ClinVar contains an entry for this variant (Variation ID: 2916678). Experimental studies and prediction algorithms are not available or were not evaluated, and the functional significance of this variant is currently unknown. In summary, the available evidence is currently insufficient to determine the role of this variant in disease. Therefore, it has been classified as a Variant of Uncertain Significance.